The following is an entry in ClinVar:

ClinVar aggregate classification (germline): Conflicting classifications of pathogenicity. Review status: criteria provided, conflicting classifications (1 of 4 stars). 5 submissions from 5 submitters: Uncertain significance (2); Likely benign (2). 1 of the submissions does not count toward it. Last evaluated 2025-12-23.

Conditions:
Short-rib thoracic dysplasia 10 with or without polydactyly (SRTD10). Identifiers: Orphanet 474, MedGen C3810175, MONDO:0014284, OMIM 615630.
Retinitis pigmentosa 71 (RP71). Identifiers: Orphanet 791, MedGen C4225342, MONDO:0014618, OMIM 616394.
IFT172-related disorder. Also called: IFT172-related disorders; IFT172-related condition.

Allele frequency attached by ClinVar (database versions not stated): gnomAD exomes 0.00008 and 0.00023; ExAC 0.00027; gnomAD 0.00091 and 0.00099; ESP Exome Variant Server 0.00092; TOPMed 0.00103; 1000 Genomes Project 0.00120; 1000 Genomes Project 30x 0.00141.
gnomAD v4.1: 267 of 1,614,096 alleles (0.017%); highest among the groups gnomAD compares: African/African-American, 0.31%; no homozygotes.

Submissions (5):

Labcorp Genetics (formerly Invitae), Labcorp
Classification: Likely benign for Retinitis pigmentosa 71; Short-rib thoracic dysplasia 10 with or without polydactyly. Last evaluated: 2025-12-23. Review status: criteria provided, single submitter. Criteria: Invitae Variant Classification Sherloc (09022015). Collection method: clinical testing. Allele origin: germline.

GeneDx
Classification: Uncertain significance. Last evaluated: 2024-11-08. Review status: criteria provided, single submitter. Criteria: GeneDx Variant Classification Process June 2021. Collection method: clinical testing. Allele origin: germline. Affected: yes.
Comment: In silico analysis supports that this missense variant has a deleterious effect on protein structure/function; Has not been previously published as pathogenic or benign to our knowledge

Genetic Services Laboratory, University of Chicago
Classification: Uncertain significance. Last evaluated: 2024-09-20. Review status: criteria provided, single submitter. Criteria: ACMG Guidelines, 2015. Collection method: clinical testing. Allele origin: germline. Affected: no.
Comment: DNA sequence analysis of the IFT172 gene demonstrated a sequence change, c.4274G>A, in exon 39 that results in an amino acid change, p.Gly1425Asp. This sequence change has been described in the gnomAD database with a frequency of 0.30% in the African/African American subpopulation (dbSNP rs139560074). The p.Gly1425Asp change affects a highly conserved amino acid residue located in a domain of the IFT172 protein that is not known to be functional. In-silico pathogenicity prediction tools (SIFT, PolyPhen2, Align GVGD, REVEL) provide contradictory results for the p.Gly1425Asp substitution. This sequence change does not appear to have been previously described in individuals with IFT172-related disorders. Due to insufficient evidence and the lack of functional studies, the clinical significance of the p.Gly1425Asp change remains unknown at this time.

Blueprint Genetics
Classification: Likely benign. Last evaluated: 2022-11-10. Review status: criteria provided, single submitter. Criteria: ACMG Guidelines, 2015. Collection method: clinical testing. Allele origin: germline.

PreventionGenetics, part of Exact Sciences
Classification: Likely benign for IFT172-related condition. Last evaluated: 2020-02-17. Review status: no assertion criteria provided. Collection method: clinical testing. Allele origin: germline. Not counted in ClinVar's aggregate classification.
Comment: This variant is classified as likely benign based on ACMG/AMP sequence variant interpretation guidelines (Richards et al. 2015 PMID: 25741868, with internal and published modifications).

NM_015662.3(IFT172):c.4274G>A (p.Gly1425Asp)

Gene: IFT172 (intraflagellar transport 172; minus strand). Cytogenetic location: 2p23.3.
Variant type: single nucleotide variant.
Coding change: c.4274G>A on transcript NM_015662.3 (MANE Select); coding-DNA position 4274, G replaced by A.
Protein change: p.Gly1425Asp; replaces glycine 1425 with aspartic acid.
Molecular consequence: missense variant.
Genome position (GRCh38, 1-based): chr2:27,449,331, C>T on the plus strand (G>A on the coding strand, the complement: IFT172 is on the minus strand). VCF-style: chr2-27449331-C-T. GRCh37 (hg19) VCF-style: chr2-27672198-C-T.
Other names: short protein forms G1425D.
Identifiers: ClinVar variation 767174 (VCV000767174.19), dbSNP rs139560074, ClinGen allele CA1579665.